The following is an entry in ClinVar:

ClinVar aggregate classification (germline): Likely pathogenic (1 of 4 stars; one submission).

Conditions:
Developmental and epileptic encephalopathy, 25 (DEE25). Also called: Epileptic encephalopathy, early infantile, 25; Developmental and epileptic encephalopathy 25, with amelogenesis imperfecta; Epileptic encephalopathy, early infantile, 25, with amelogenesis imperfecta. Identifiers: Orphanet 442835, MedGen C4014621, MONDO:0014392, OMIM 615905.

Submission:

Molecular Genetics, Royal Melbourne Hospital
Classification: Likely pathogenic for Developmental and epileptic encephalopathy, 25. Last evaluated: 2023-09-04. Review status: criteria provided, single submitter. Criteria: ACMG Guidelines, 2015. Collection method: clinical testing. Allele origin: germline. Inheritance: Autosomal recessive inheritance.
Comment: This sequence change in SLC13A5 is a frameshift variant predicted to cause a premature stop codon, p.(Gly416Alafs*35), in biologically relevant exon 10/12 leading to nonsense-mediated decay in a gene in which loss-of-function is an established disease mechanism. This variant is absent from the population database gnomAD v2.1 and v3.1. To our knowledge, this variant is novel and has not been previously reported in the relevant scientific literature or databases. Based on the classification scheme RMH Modified ACMG/AMP Guidelines v1.6.1, this variant is classified as LIKELY PATHOGENIC. Following criteria are met: PVS1, PM2_Supporting

NM_177550.5(SLC13A5):c.1247del (p.Gly416fs)

Gene: SLC13A5 (solute carrier family 13 member 5; minus strand). Cytogenetic location: 17p13.1.
Variant type: Deletion.
Coding change: c.1247del on transcript NM_177550.5 (MANE Select); coding-DNA position 1247, one base deleted (G; older notation c.1247delG).
Protein change: p.Gly416fs; shifts the reading frame from glycine 416.
Molecular consequence: frameshift variant.
Genome position (GRCh38, 1-based): chr17:6,693,072, C deleted on the plus strand (G on the coding strand, the reverse complement: SLC13A5 is on the minus strand); the first of 5 consecutive C bases (chr17:6,693,072-6,693,076); deleting any one gives the same sequence. VCF-style (leftmost placement, unchanged base first): chr17-6693071-GC-G. GRCh37 (hg19) VCF-style: chr17-6596390-GC-G.
Other names: c.1247del, p.Gly416fs (NM_001143838.3); c.1196del, p.Gly399fs (NM_001284509.2); c.1118del, p.Gly373fs (NM_001284510.2); c.1247delG (NM_177550.5); short protein forms G373fs, G399fs, G416fs.
Identifiers: ClinVar variation 3068619 (VCV003068619.1), dbSNP rs2544617550, ClinGen allele CA2580617566.